The following is an entry in ClinVar:

ClinVar aggregate classification (germline): Pathogenic (1 of 4 stars; one submission).

Conditions:
Diffuse cerebral and cerebellar atrophy - intractable seizures - progressive microcephaly syndrome. Also called: Microcephaly, progressive, with seizures and cerebral and cerebellar atrophy. Identifiers: Orphanet 404437, MedGen C4014239, MONDO:0014335, OMIM 615760.

Submission:

Labcorp Genetics (formerly Invitae), Labcorp
Classification: Pathogenic for Diffuse cerebral and cerebellar atrophy - intractable seizures - progressive microcephaly syndrome. Last evaluated: 2023-08-07. Review status: criteria provided, single submitter. Criteria: Invitae Variant Classification Sherloc (09022015). Collection method: clinical testing. Allele origin: germline.
Comment: This variant has not been reported in the literature in individuals affected with QARS-related conditions. This sequence change creates a premature translational stop signal (p.Gln545Profs*8) in the QARS gene. It is expected to result in an absent or disrupted protein product. Loss-of-function variants in QARS are known to be pathogenic (PMID: 24656866, 25471517). This variant is present in population databases (no rsID available, gnomAD 0.0009%). For these reasons, this variant has been classified as Pathogenic.

Literature cited by the submitters: PubMed 24656866; PubMed 25471517.

NM_005051.3(QARS1):c.1634_1637del (p.Gln545fs)

Gene: QARS1 (glutaminyl-tRNA synthetase 1; minus strand). Cytogenetic location: 3p21.31.
Variant type: Deletion.
Coding change: c.1634_1637del on transcript NM_005051.3 (MANE Select); coding-DNA positions 1634 to 1637, 4 bases deleted (AAAC; older notation c.1634_1637delAAAC).
Protein change: p.Gln545fs; shifts the reading frame from glutamine 545.
Molecular consequence: frameshift variant. On other transcripts: non-coding transcript variant (1).
Genome position (GRCh38, 1-based): chr3:49,099,231-49,099,234, GTTT deleted on the plus strand (AAAC on the coding strand, the reverse complement: QARS1 is on the minus strand); deleting any 4 consecutive bases within chr3:49,099,231-49,099,236 gives the same sequence; the c. name uses the placement nearest the transcript's 3' end. VCF-style (leftmost placement, unchanged base first): chr3-49099230-GGTTT-G. GRCh37 (hg19) VCF-style: chr3-49136663-GGTTT-G.
Other names: c.1601_1604del, p.Gln534fs (NM_001272073.2); short protein forms Q534fs, Q545fs.
Identifiers: ClinVar variation 2888694 (VCV002888694.3), dbSNP rs937998415, ClinGen allele CA74472906.